The following is an entry in ClinVar:

NM_022114.4(PRDM16):c.3283_3284+4del

Gene: PRDM16 (PR/SET domain 16; plus strand). Cytogenetic location: 1p36.32.
Variant type: Deletion.
Coding change: c.3283_3284+4del on transcript NM_022114.4 (MANE Select); coding-DNA position 3283 through 4 bases into the intron after coding-DNA position 3284, 6 bases deleted (CGGTAA; older notation c.3283_3284+4delCGGTAA).
Molecular consequence: splice donor variant.
Genome position (GRCh38, 1-based): chr1:3,426,224-3,426,229, CGGTAA deleted; deleting any 6 consecutive bases within chr1:3,426,222-3,426,229 gives the same sequence; the c. name uses the placement nearest the transcript's 3' end. VCF-style (leftmost placement, unchanged base first): chr1-3426221-AAACGGT-A. GRCh37 (hg19) VCF-style: chr1-3342785-AAACGGT-A.
Other names: c.3283_3284+4del (NM_199454.3); c.3283_3284+4delCGGTAA (NM_022114.3).
Identifiers: ClinVar variation 503929 (VCV000503929.2), dbSNP rs1553179398, ClinGen allele CA658795374.

ClinVar aggregate classification (germline): Uncertain significance (1 of 4 stars; one submission).

Submission:

GeneDx
Classification: Uncertain significance. Last evaluated: 2017-12-15. Review status: criteria provided, single submitter. Criteria: GeneDx Variant Classification (06012015). Collection method: clinical testing. Allele origin: germline. Affected: yes.
Comment: A variant of uncertain significance has been identified in the PRDM16 gene. The c.3283_3284+4delCGGTAA variant has not been published as pathogenic or been reported as benign to our knowledge. This variant is not observed in large population cohorts (Lek et al., 2016). The c.3283_3284+4delCGGTAA variant is predicted to destroy the canonical splice donor site of intron 14, which could lead to either an abnormal message that is subject to nonsense-mediated mRNA decay, or to an abnormal protein product if the message is used for protein translation. However, in the absence of functional mRNA studies, the physiological consequence of this variant cannot be precisely determined.